The following is an entry in ClinVar:

ClinVar aggregate classification (germline): Uncertain significance. Review status: criteria provided, multiple submitters, no conflicts (2 of 4 stars). 2 submissions from 2 submitters: Uncertain significance (2). Last evaluated 2025-05-17.

Conditions:
Inborn genetic diseases. Identifiers: MedGen C0950123, MeSH D030342.

gnomAD v4.1: 32 of 1,604,226 alleles (0.002%); highest among the groups gnomAD compares: Non-Finnish European, 0.0025%; no homozygotes.

Submissions (2):

GeneDx
Classification: Uncertain significance. Last evaluated: 2025-05-17. Review status: criteria provided, single submitter. Criteria: GeneDx Variant Classification Process June 2021. Collection method: clinical testing. Allele origin: germline. Affected: yes.
Comment: Not observed at significant frequency in large population cohorts (gnomAD); In silico analysis suggests that this missense variant does not alter protein structure/function; Has not been previously published as pathogenic or benign to our knowledge

Ambry Genetics
Classification: Uncertain significance for Inborn genetic diseases. Last evaluated: 2021-07-09. Review status: criteria provided, single submitter. Criteria: Ambry Variant Classification Scheme 2023. Collection method: clinical testing. Allele origin: germline.

NM_004667.6(HERC2):c.548G>T (p.Arg183Leu)

Gene: HERC2 (HECT and RLD domain containing E3 ubiquitin protein ligase 2; minus strand). Cytogenetic location: 15q13.1.
Variant type: single nucleotide variant.
Coding change: c.548G>T on transcript NM_004667.6 (MANE Select); coding-DNA position 548, G replaced by T.
Protein change: p.Arg183Leu; replaces arginine 183 with leucine.
Molecular consequence: missense variant.
Genome position (GRCh38, 1-based): chr15:28,275,000, C>A on the plus strand (G>T on the coding strand, the complement: HERC2 is on the minus strand). VCF-style: chr15-28275000-C-A. GRCh37 (hg19) VCF-style: chr15-28520146-C-A.
Other names: c.548G>T (NM_004667.5); short protein forms R183L.
Identifiers: ClinVar variation 2222910 (VCV002222910.3), dbSNP rs139657402, ClinGen allele CA7443665.